The following is an entry in ClinVar:

NM_002485.5(NBN):c.2215C>A (p.Leu739Ile)

Gene: NBN (nibrin; minus strand). Cytogenetic location: 8q21.3.
Variant type: single nucleotide variant.
Coding change: c.2215C>A on transcript NM_002485.5 (MANE Select); coding-DNA position 2215, C replaced by A.
Protein change: p.Leu739Ile; replaces leucine 739 with isoleucine.
Molecular consequence: missense variant.
Genome position (GRCh38, 1-based): chr8:89,937,045, G>T on the plus strand (C>A on the coding strand, the complement: NBN is on the minus strand). VCF-style: chr8-89937045-G-T. GRCh37 (hg19) VCF-style: chr8-90949273-G-T.
Other names: c.1969C>A, p.Leu657Ile (NM_001440380.1, NM_001024688.3, NM_001440379.1); short protein forms L657I, L739I.
Identifiers: ClinVar variation 5025397 (VCV005025397.1).

ClinVar aggregate classification (germline): Uncertain significance (1 of 4 stars; one submission).

Conditions:
Hereditary cancer-predisposing syndrome. Also called: Neoplastic Syndromes, Hereditary; Tumor predisposition; Hereditary neoplastic syndrome; Hereditary Cancer Syndrome. Identifiers: Orphanet 140162, MedGen C0027672, MeSH D009386, MONDO:0015356.

Submission:

Ambry Genetics
Classification: Uncertain significance for Hereditary cancer-predisposing syndrome. Last evaluated: 2026-07-06. Review status: criteria provided, single submitter. Criteria: Ambry Variant Classification Scheme 2023. Collection method: clinical testing. Allele origin: germline.
Comment: The p.L739I variant (also known as c.2215C>A), located in coding exon 15 of the NBN gene, results from a C to A substitution at nucleotide position 2215. The leucine at codon 739 is replaced by isoleucine, an amino acid with highly similar properties. This amino acid position is conserved. In addition, this alteration is predicted to be tolerated by in silico analysis. Based on the available evidence, the clinical significance of this variant remains unclear.